The following is an entry in ClinVar:

NM_170682.4(P2RX2):c.1213G>A (p.Glu405Lys)

Gene: P2RX2 (purinergic receptor P2X 2; plus strand). Cytogenetic location: 12q24.33.
Variant type: single nucleotide variant.
Coding change: c.1213G>A on transcript NM_170682.4 (MANE Select); coding-DNA position 1213, G replaced by A.
Protein change: p.Glu405Lys; replaces glutamic acid 405 with lysine.
Molecular consequence: missense variant. On other transcripts: 3 prime UTR variant (1), intron variant (2).
Genome position (GRCh38, 1-based): chr12:132,621,769, G>A. VCF-style: chr12-132621769-G-A. GRCh37 (hg19) VCF-style: chr12-133198355-G-A.
Other names: c.*260G>A (NM_001282165.2); c.997G>A, p.Glu333Lys (NM_012226.5); c.1141G>A, p.Glu381Lys (NM_016318.4); c.1291G>A, p.Glu431Lys (NM_170683.4); c.937G>A, p.Glu313Lys (NM_174872.3); c.1140+73G>A (NM_174873.3); c.1038+73G>A (NM_001282164.2); short protein forms E313K, E381K, E405K, E333K, E431K.
Identifiers: ClinVar variation 4978850 (VCV004978850.1).
Genomic context (GRCh38, chr12:132,621,769, plus strand): 5'-AGCCACCCCTCAGGTAGCTGGCCTGTGACCCTTGCCCGTGTATTGGGCCAGGCCCCTCCC[G>A]AACCCGGCCACCGCTCCGAGGACCAGCACCCCAGCCCTCCATCAGGCCAGGAGGGCCAAC-3'
Protein context (NP_733782.1, residues 395-415): LARVLGQAPP[Glu405Lys]PGHRSEDQHP

ClinVar aggregate classification (germline): Uncertain significance (1 of 4 stars; one submission).

Conditions:
P2RX2-related disorder. Also called: P2RX2-related condition.

gnomAD v4.1: 68 of 1,600,986 alleles (0.0042%); highest among the groups gnomAD compares: African/African-American, 0.02%; no homozygotes.

Submission:

PreventionGenetics, part of Exact Sciences
Classification: Uncertain significance for P2RX2-related condition. Last evaluated: 2026-06-16. Review status: criteria provided, single submitter. Criteria: ACMG Guidelines, 2015. Collection method: clinical testing. Allele origin: germline.
Comment: The P2RX2 c.1291G>A variant is predicted to result in the amino acid substitution p.Glu431Lys. To our knowledge, this variant has not been reported in the literature. This variant is reported in 0.025% of alleles in individuals of African descent in gnomAD. Although we suspect that this variant may be benign, at this time, the clinical significance of this variant is uncertain due to the absence of conclusive functional and genetic evidence.